The following is an entry in ClinVar:

ClinVar aggregate classification (germline): Uncertain significance (1 of 4 stars; one submission).

Conditions:
Glycogen storage disease IXd (GSD9D). Also called: Muscle Phosphorylase Kinase Deficiency; GSD IXd. Identifiers: Orphanet 715, MedGen C1845151, MONDO:0010362, OMIM 300559.

gnomAD v4.1: 19 of 1,210,116 alleles (0.0016%); highest among the groups gnomAD compares: East Asian, 0.053%; no homozygotes.

Submission:

Labcorp Genetics (formerly Invitae), Labcorp
Classification: Uncertain significance for Glycogen storage disease IXd. Last evaluated: 2025-04-23. Review status: criteria provided, single submitter. Criteria: Invitae Variant Classification Sherloc (09022015). Collection method: clinical testing. Allele origin: germline.
Comment: This sequence change replaces isoleucine, which is neutral and non-polar, with leucine, which is neutral and non-polar, at codon 51 of the PHKA1 protein (p.Ile51Leu). This variant is present in population databases (rs782352320, gnomAD 0.05%). This variant has not been reported in the literature in individuals affected with PHKA1-related conditions. Invitae Evidence Modeling of protein sequence and biophysical properties (such as structural, functional, and spatial information, amino acid conservation, physicochemical variation, residue mobility, and thermodynamic stability) indicates that this missense variant is expected to disrupt PHKA1 protein function with a positive predictive value of 80%. In summary, the available evidence is currently insufficient to determine the role of this variant in disease. Therefore, it has been classified as a Variant of Uncertain Significance.

NM_002637.4(PHKA1):c.151A>C (p.Ile51Leu)

Gene: PHKA1 (phosphorylase kinase regulatory subunit alpha 1; minus strand). Cytogenetic location: Xq13.1.
Variant type: single nucleotide variant.
Coding change: c.151A>C on transcript NM_002637.4 (MANE Select); coding-DNA position 151, A replaced by C.
Protein change: p.Ile51Leu; replaces isoleucine 51 with leucine.
Molecular consequence: missense variant.
Genome position (GRCh38, 1-based): chrX:72,712,865, T>G on the plus strand (A>C on the coding strand, the complement: PHKA1 is on the minus strand). VCF-style: chrX-72712865-T-G. GRCh37 (hg19) VCF-style: chrX-71932707-T-G.
Other names: c.151A>C, p.Ile51Leu (NM_001122670.2, NM_001172436.2, NM_001431068.1 and 2 more transcripts); short protein forms I51L.
Identifiers: ClinVar variation 4742093 (VCV004742093.1).